The following is an entry in ClinVar:

ClinVar aggregate classification (germline): Uncertain significance (1 of 4 stars; one submission).

Conditions:
X-linked lymphoproliferative disease due to XIAP deficiency. Also called: XIAP-Related Lymphoproliferative Disease, X-Linked; XIAP DEFICIENCY. Identifiers: Orphanet 2442, Orphanet 538934, MedGen C1845076, MONDO:0010385, OMIM 300635.

Submission:

Labcorp Genetics (formerly Invitae), Labcorp
Classification: Uncertain significance for X-linked lymphoproliferative disease due to XIAP deficiency. Last evaluated: 2022-08-07. Review status: criteria provided, single submitter. Criteria: Invitae Variant Classification Sherloc (09022015). Collection method: clinical testing. Allele origin: germline.
Comment: This sequence change replaces cysteine, which is neutral and slightly polar, with tyrosine, which is neutral and polar, at codon 453 of the XIAP protein (p.Cys453Tyr). In summary, the available evidence is currently insufficient to determine the role of this variant in disease. Therefore, it has been classified as a Variant of Uncertain Significance. Algorithms developed to predict the effect of sequence changes on RNA splicing suggest that this variant may disrupt the consensus splice site. Algorithms developed to predict the effect of missense changes on protein structure and function are either unavailable or do not agree on the potential impact of this missense change (SIFT: "Not Available"; PolyPhen-2: "Probably Damaging"; Align-GVGD: "Not Available"). This missense change has been observed in individual(s) with hemophagocytic lymphohistiocytosis (PMID: 29665027). This variant is not present in population databases (gnomAD no frequency).

Literature cited by the submitters: PubMed 29665027.

NM_001167.4(XIAP):c.1358G>A (p.Cys453Tyr)

Gene: XIAP (X-linked inhibitor of apoptosis; plus strand). Cytogenetic location: Xq25.
Variant type: single nucleotide variant.
Coding change: c.1358G>A on transcript NM_001167.4 (MANE Select); coding-DNA position 1358, G replaced by A.
Protein change: p.Cys453Tyr; replaces cysteine 453 with tyrosine.
Molecular consequence: missense variant. On other transcripts: non-coding transcript variant (2).
Genome position (GRCh38, 1-based): chrX:123,907,045, G>A. VCF-style: chrX-123907045-G-A. GRCh37 (hg19) VCF-style: chrX-123040895-G-A.
Other names: c.1358G>A, p.Cys453Tyr (NM_001204401.2, NM_001378590.1, NM_001378591.1 and 1 more transcripts); short protein forms C453Y.
Identifiers: ClinVar variation 2152351 (VCV002152351.4), dbSNP rs2522625285, ClinGen allele CA414128000.